The following is an entry in ClinVar:

ClinVar aggregate classification (germline): Likely benign. Review status: criteria provided, multiple submitters, no conflicts (2 of 4 stars). 4 submissions from 4 submitters: Likely benign (3). 1 of the submissions does not count toward it. Last evaluated 2026-01-25.

Conditions:
Hereditary cancer-predisposing syndrome. Also called: Hereditary Cancer Syndrome; Neoplastic Syndromes, Hereditary; Tumor predisposition; Hereditary neoplastic syndrome. Identifiers: Orphanet 140162, MedGen C0027672, MeSH D009386, MONDO:0015356.
EGFR-related lung cancer (EGFR). Identifiers: MedGen CN130014.
EGFR-related disorder. Also called: EGFR-related condition.

Allele frequency attached by ClinVar (database versions not stated): gnomAD 0.00004; TOPMed 0.00009.
gnomAD v4.1: 34 of 1,614,026 alleles (0.0021%); highest among the groups gnomAD compares: Middle Eastern, 0.033%; no homozygotes.

Submissions (4):

Labcorp Genetics (formerly Invitae), Labcorp
Classification: Likely benign for EGFR-related lung cancer. Last evaluated: 2026-01-25. Review status: criteria provided, single submitter. Criteria: Invitae Variant Classification Sherloc (09022015). Collection method: clinical testing. Allele origin: germline.

Ambry Genetics
Classification: Likely benign for Hereditary cancer-predisposing syndrome. Last evaluated: 2024-11-26. Review status: criteria provided, single submitter. Criteria: Ambry Variant Classification Scheme 2023. Collection method: clinical testing. Allele origin: germline.

Sema4
Classification: Likely benign for Hereditary cancer-predisposing syndrome. Last evaluated: 2021-12-20. Review status: criteria provided, single submitter. Criteria: Sema4 Curation Guidelines. Collection method: curation. Allele origin: germline.

PreventionGenetics, part of Exact Sciences
Classification: Likely benign for EGFR-related condition. Last evaluated: 2023-02-15. Review status: no assertion criteria provided. Collection method: clinical testing. Allele origin: germline. Not counted in ClinVar's aggregate classification.
Comment: This variant is classified as likely benign based on ACMG/AMP sequence variant interpretation guidelines (Richards et al. 2015 PMID: 25741868, with internal and published modifications).

NM_005228.5(EGFR):c.3408C>T (p.Pro1136=)

Gene: EGFR (epidermal growth factor receptor; plus strand). Cytogenetic location: 7p11.2.
Variant type: single nucleotide variant.
Coding change: c.3408C>T on transcript NM_005228.5 (MANE Select); coding-DNA position 3408, C replaced by T.
Protein change: p.Pro1136=; no amino-acid change (proline 1136 retained).
Molecular consequence: synonymous variant.
Genome position (GRCh38, 1-based): chr7:55,205,392, C>T. VCF-style: chr7-55205392-C-T. GRCh37 (hg19) VCF-style: chr7-55273085-C-T.
Other names: c.3408C>T (NM_005228.4); c.3273C>T, p.Pro1091= (NM_001346899.2); c.3249C>T, p.Pro1083= (NM_001346900.2); c.2607C>T, p.Pro869= (NM_001346941.2).
Identifiers: ClinVar variation 1085552 (VCV001085552.12), dbSNP rs762946118, ClinGen allele CA4266396.